The following is an entry in ClinVar:

NM_003640.5(ELP1):c.3493C>G (p.Leu1165Val)

Gene: ELP1 (elongator acetyltransferase complex subunit 1; minus strand). Cytogenetic location: 9q31.3.
Variant type: single nucleotide variant.
Coding change: c.3493C>G on transcript NM_003640.5 (MANE Select); coding-DNA position 3493, C replaced by G.
Protein change: p.Leu1165Val; replaces leucine 1165 with valine.
Molecular consequence: missense variant.
Genome position (GRCh38, 1-based): chr9:108,879,525, G>C on the plus strand (C>G on the coding strand, the complement: ELP1 is on the minus strand). VCF-style: chr9-108879525-G-C. GRCh37 (hg19) VCF-style: chr9-111641805-G-C.
Other names: c.2446C>G, p.Leu816Val (NM_001330749.2); c.3151C>G, p.Leu1051Val (NM_001318360.2); short protein forms L816V, L1165V, L1051V.
Identifiers: ClinVar variation 4248495 (VCV004248495.2).

ClinVar aggregate classification (germline): Uncertain significance. Review status: criteria provided, multiple submitters, no conflicts (2 of 4 stars). 2 submissions from 2 submitters: Uncertain significance (2). Last evaluated 2026-10-01.

Conditions:
Medulloblastoma (MDB). Also called: Medulloblastoma, somatic; MEDULLOBLASTOMA PREDISPOSITION SYNDROME. Identifiers: Orphanet 616, MedGen C0025149, MeSH D008527, MONDO:0007959, OMIM 155255, HP:0002885.

gnomAD v4.1: 5 of 1,613,936 alleles (0.00031%); highest among the groups gnomAD compares: Non-Finnish European, 0.00042%; no homozygotes.

Submissions (2):

St. Jude Molecular Pathology, St. Jude Children's Research Hospital
Classification: Uncertain significance for Medulloblastoma. Last evaluated: 2026-10-01. Review status: criteria provided, single submitter. Criteria: St. Jude Assertion Criteria 2020. Collection method: clinical testing. Allele origin: germline.
Comment: The ELP1 c.3493C>G p.(Leu1165Val) missense change has a maximum subpopulation frequency of 0.006% in gnomAD v 2.1.1. The in silico tool REVEL predicts a benign effect on protein function, but to our knowledge this prediction has not been confirmed by functional studies. To our knowledge, this variant has not been reported in i ndividuals with medulloblastoma or familial dysautonomia. In summary, the evidence currently available is insufficient to determine the clinical significance of this variant. It has therefore been classified as of uncertain significance.

Ambry Genetics
Classification: Uncertain significance. Last evaluated: 2025-08-26. Review status: criteria provided, single submitter. Criteria: Ambry Variant Classification Scheme 2023. Collection method: clinical testing. Allele origin: germline.